The following is an entry in ClinVar:

NM_003060.4(SLC22A5):c.845G>A (p.Arg282Gln)

Gene: SLC22A5 (solute carrier family 22 member 5; plus strand). Cytogenetic location: 5q31.1.
Variant type: single nucleotide variant.
Coding change: c.845G>A on transcript NM_003060.4 (MANE Select); coding-DNA position 845, G replaced by A.
Protein change: p.Arg282Gln; replaces arginine 282 with glutamine.
Molecular consequence: missense variant.
Genome position (GRCh38, 1-based): chr5:132,387,045, G>A. VCF-style: chr5-132387045-G-A. GRCh37 (hg19) VCF-style: chr5-131722737-G-A.
Other names: c.917G>A, p.Arg306Gln (NM_001308122.2); short protein forms R306Q.
Identifiers: ClinVar variation 25401 (VCV000025401.34), dbSNP rs386134210, ClinGen allele CA342661.

ClinVar aggregate classification (germline): Pathogenic. Review status: criteria provided, multiple submitters, no conflicts (2 of 4 stars). 12 submissions from 12 submitters: Pathogenic (11). 1 of the submissions does not count toward it. Last evaluated 2026-02-13.

Conditions:
Carnitine deficiency. Identifiers: MedGen C1142132.
SLC22A5-related disorder. Also called: SLC22A5-related condition.
Inborn genetic diseases. Identifiers: MedGen C0950123, MeSH D030342.
Renal carnitine transport defect (CDSP). Also called: CARNITINE DEFICIENCY, SYSTEMIC, DUE TO DEFECT IN RENAL REABSORPTION OF CARNITINE; CARNITINE TRANSPORTER, PLASMA-MEMBRANE, DEFICIENCY OF; CARNITINE UPTAKE DEFECT; Primary carnitine deficiency; Carnitine transporter deficiency; Systemic primary carnitine deficiency disease. Identifiers: Orphanet 158, MedGen C0342788, MONDO:0008919, OMIM 212140.

Allele frequency attached by ClinVar (database versions not stated): gnomAD 0.00002; TOPMed 0.00003.
gnomAD v4.1: 26 of 1,613,972 alleles (0.0016%); highest among the groups gnomAD compares: Admixed American, 0.015%; no homozygotes.

Submissions (12):

OLLIN Analises Genomicas, OLLIN
Classification: Pathogenic for Renal carnitine transport defect. Last evaluated: 2026-02-13. Review status: criteria provided, single submitter. Criteria: ACMG Guidelines 2015 PMID 25741868. Collection method: clinical testing. Allele origin: germline. Observed: 1 variant allele.
Comment: PS3_P, PM2_P, PM3_S, PM5, PP3_M

Labcorp Genetics (formerly Invitae), Labcorp
Classification: Pathogenic for Renal carnitine transport defect. Last evaluated: 2025-12-18. Review status: criteria provided, single submitter. Criteria: Invitae Variant Classification Sherloc (09022015). Collection method: clinical testing. Allele origin: germline.
Comment: This sequence change replaces arginine, which is basic and polar, with glutamine, which is neutral and polar, at codon 282 of the SLC22A5 protein (p.Arg282Gln). This variant is not present in population databases (gnomAD no frequency). This missense change has been observed in individual(s) with primary carnitine deficiency (PMID: 16652335, 20574985, 21922592). ClinVar contains an entry for this variant (Variation ID: 25401). Invitae Evidence Modeling of protein sequence and biophysical properties (such as structural, functional, and spatial information, amino acid conservation, physicochemical variation, residue mobility, and thermodynamic stability) has been performed for this missense variant. However, the output from this modeling did not meet the statistical confidence thresholds required to predict the impact of this variant on SLC22A5 protein function. Experimental studies have shown that this missense change affects SLC22A5 function (PMID: 16652335). Algorithms developed to predict the effect of sequence changes on RNA splicing suggest that this variant may create or strengthen a splice site. For these reasons, this variant has been classified as Pathogenic.

Natera, Inc.
Classification: Pathogenic for Carnitine deficiency. Last evaluated: 2025-05-14. Review status: criteria provided, single submitter. Criteria: Natera Variant Classification Schema (03/2026). Collection method: clinical testing. Allele origin: germline.
Comment: The c.845G>A variant in SLC22A5 is a missense variant predicted to cause substitution of arginine to glutamine at amino acid 282. This variant is rare in the general population with a frequency below the threshold expected for the associated phenotype(s). This variant has been observed in one or more individuals affected with the associated recessive disease, as either homozygous or compound heterozygous with a second variant (PMID: 35095998, 16652335, 28841266). Computational prediction algorithms indicate this variant is likely to affect gene or protein function. Given the available evidence, this variant is classified as Pathogenic.

Genomic Research Center, Shahid Beheshti University of Medical Sciences
Classification: Pathogenic for Renal carnitine transport defect. Last evaluated: 2024-04-22. Review status: criteria provided, single submitter. Criteria: ACMG Guidelines, 2015. Collection method: clinical testing. Allele origin: unknown.

Fulgent Genetics
Classification: Pathogenic for Renal carnitine transport defect. Last evaluated: 2024-03-25. Review status: criteria provided, single submitter. Criteria: ACMG Guidelines, 2015. Collection method: clinical testing. Allele origin: germline.

GeneDx
Classification: Pathogenic. Last evaluated: 2023-07-26. Review status: criteria provided, single submitter. Criteria: GeneDx Variant Classification Process June 2021. Collection method: clinical testing. Allele origin: germline. Affected: yes.
Comment: Published functional studies found this variant is associated with significantly impaired carnitine transport (Amat di San Filippo C et al., 2006; Frigeni M et al. 2017); In silico analysis supports that this missense variant has a deleterious effect on protein structure/function; Not observed at significant frequency in large population cohorts (gnomAD); In silico analysis suggests this variant may impact gene splicing. In the absence of RNA/functional studies, the actual effect of this sequence change is unknown.; This variant is associated with the following publications: (PMID: 16652335, 28841266, 32371215, 33757571, 21922592, 23430858, 16602102, 26828774, 23379544, 20574985, 23520115, 20074989, 33181153, 35095998)

Ambry Genetics
Classification: Pathogenic for Inborn genetic diseases. Last evaluated: 2023-06-09. Review status: criteria provided, single submitter. Criteria: Ambry Variant Classification Scheme 2023. Collection method: clinical testing. Allele origin: germline.
Comment: The c.845G>A (p.R282Q) alteration is located in exon 5 (coding exon 5) of the SLC22A5 gene. This alteration results from a G to A substitution at nucleotide position 845, causing the arginine (R) at amino acid position 282 to be replaced by a glutamine (Q). This variant was not reported in population-based cohorts in the Genome Aggregation Database (gnomAD). The c.845G>A alteration has been reported in homozygous and compound heterozygous state in multiple symptomatic and asymptomatic individuals diagnosed with primary carnitine deficiency (Amat di San Filippo, 2006; Li, 2010; Lee, 2010; Rose, 2012; Li, 2021; Ambrose, 2022; Mart&iacute;n-Rivada, 2022). This alteration has been identified as co-occurring with the pathogenic alteration SLC22A5 NM_003060 p.R254* c.760C>T in one individual, however, phase (cis or trans) was not confirmed (Li, 2021). This amino acid position is highly conserved in available vertebrate species. The p.R282Q alteration significantly reduces carnitine transport (Rose, 2012). The in silico prediction for this alteration is inconclusive. Based on the available evidence, this alteration is classified as pathogenic.

Clinical Genetics Laboratory, Skane University Hospital Lund
Classification: Pathogenic. Last evaluated: 2022-05-27. Review status: criteria provided, single submitter. Criteria: ACMG Guidelines, 2015. Collection method: clinical testing. Allele origin: germline. Affected: yes.

Genome-Nilou Lab
Classification: Pathogenic for Renal carnitine transport defect. Last evaluated: 2021-07-22. Review status: criteria provided, single submitter. Criteria: ACMG Guidelines, 2015. Collection method: clinical testing. Allele origin: germline. Affected: no.

Eurofins Ntd Llc (ga)
Classification: Pathogenic. Last evaluated: 2013-06-04. Review status: criteria provided, single submitter. Criteria: EGL Classification Definitions 2015. Collection method: clinical testing. Allele origin: germline. Observed: 2 variant alleles, 2 heterozygotes.

Juno Genomics, Hangzhou Juno Genomics, Inc
Classification: Pathogenic for Renal carnitine transport defect. Review status: criteria provided, single submitter. Criteria: ACMG Guidelines, 2015. Collection method: clinical testing. Allele origin: germline.
Comment: Absent from controls (or at extremely low frequency if recessive) in Genome Aggregation Database.;Well-established in vitro or in vivo functional studies supportive of a damaging effect on the gene or gene product.;For recessive disorders, detected in trans with a pathogenic variant.;Patient's phenotype or family history is highly specific for a disease with a single genetic etiology.

PreventionGenetics, part of Exact Sciences
Classification: Pathogenic for SLC22A5-related condition. Last evaluated: 2024-07-29. Review status: no assertion criteria provided. Collection method: clinical testing. Allele origin: germline. Not counted in ClinVar's aggregate classification.
Comment: The SLC22A5 c.845G>A variant is predicted to result in the amino acid substitution p.Arg282Gln. This variant has been reported in the homozygous and compound heterozygous states in patients with systemic primary carnitine deficiency (Amat di San Filippo et al. 2006. PubMed ID: 16652335; Frigeni et al. 2017. PubMed ID: 28841266). When the SLC22A5 protein with the p.Arg282Gln substitution was expressed in Chinese hamster ovary (CHO) cells, the residual carnitine transport activity was no more than 10% of control (Amat di San Filippo et al. 2006. PubMed ID: 16652335; Frigeni et al. 2017. PubMed ID: 28841266). This variant is absent from a large population database, indicating it is rare. Taken together, we classify this variant as pathogenic.

Literature cited by the submitters: PubMed 16652335 (cited by 3 submitters); PubMed 20574985 (cited by Labcorp Genetics (formerly Invitae), Labcorp and Ambry Genetics); PubMed 21922592 (cited by Labcorp Genetics (formerly Invitae), Labcorp and Ambry Genetics); PubMed 35095998 (cited by Natera, Inc. and Ambry Genetics); PubMed 28841266 (cited by Natera, Inc.); PubMed 20074989 (cited by Ambry Genetics); PubMed 35281663 (cited by Ambry Genetics); PubMed 36109795 (cited by Ambry Genetics).